The following is an entry in ClinVar:

NM_020921.4(NIN):c.57T>G (p.Ser19Arg)

Genes: NIN (ninein; minus strand), LOC105370489 (uncharacterized LOC105370489; plus strand). Cytogenetic location: 14q22.1.
Variant type: single nucleotide variant.
Coding change: c.57T>G on transcript NM_020921.4 (MANE Select); coding-DNA position 57, T replaced by G.
Protein change: p.Ser19Arg; replaces serine 19 with arginine.
Molecular consequence: missense variant.
Genome position (GRCh38, 1-based): chr14:50,822,000, A>C on the plus strand (T>G on the coding strand, the complement: NIN is on the minus strand). VCF-style: chr14-50822000-A-C. GRCh37 (hg19) VCF-style: chr14-51288718-A-C.
Other names: c.57T>G, p.Ser19Arg (NM_016350.5, NM_182944.3, NM_182946.2); short protein forms S19R.
Identifiers: ClinVar variation 2693052 (VCV002693052.4), dbSNP rs2503173724, ClinGen allele CA389684943.
Genomic context (GRCh38, chr14:50,822,000, plus strand): 5'-CATGTGGCAAAGGTCGGTGAGTTCCTCCTGCCCCAGGGACCCTGTGCCCGTCGTGTCAAA[A>C]CTGTCAAACAGCTCCTTGAGTCGGGCCTCATGCTGGTCCTGCTCCACCTCATCCATCCCA-3'
Protein context (NP_065972.4, residues 9-29): HEARLKELFD[Ser19Arg]FDTTGTGSLG

ClinVar aggregate classification (germline): Uncertain significance (1 of 4 stars; one submission).

Submissions (2):

Labcorp Genetics (formerly Invitae), Labcorp
Classification: Uncertain significance. Last evaluated: 2024-03-20. Review status: criteria provided, single submitter. Criteria: Invitae Variant Classification Sherloc (09022015). Collection method: clinical testing. Allele origin: germline.
Comment: This sequence change replaces serine, which is neutral and polar, with arginine, which is basic and polar, at codon 19 of the NIN protein (p.Ser19Arg). This variant is not present in population databases (gnomAD no frequency). This variant has not been reported in the literature in individuals affected with NIN-related conditions. An algorithm developed to predict the effect of missense changes on protein structure and function (PolyPhen-2) suggests that this variant is likely to be disruptive. In summary, the available evidence is currently insufficient to determine the role of this variant in disease. Therefore, it has been classified as a Variant of Uncertain Significance.

Dr. Peter K. Rogan Lab, Western University
No classification provided (evidence only). Condition: Thyroid cancer, nonmedullary, 1. Review status: no classification provided. Collection method: in vitro. Allele origin: not applicable. Functional consequence: skipped exon. Not counted in ClinVar's aggregate classification.